The following is an entry in ClinVar:

NM_000368.5(TSC1):c.2276C>G (p.Ala759Gly)

Gene: TSC1 (TSC complex subunit 1; minus strand). Cytogenetic location: 9q34.13.
Variant type: single nucleotide variant.
Coding change: c.2276C>G on transcript NM_000368.5 (MANE Select); coding-DNA position 2276, C replaced by G.
Protein change: p.Ala759Gly; replaces alanine 759 with glycine.
Molecular consequence: missense variant.
Genome position (GRCh38, 1-based): chr9:132,902,720, G>C on the plus strand (C>G on the coding strand, the complement: TSC1 is on the minus strand). VCF-style: chr9-132902720-G-C. GRCh37 (hg19) VCF-style: chr9-135778107-G-C.
Other names: c.2273C>G, p.Ala758Gly (NM_001162426.2); c.2123C>G, p.Ala708Gly (NM_001162427.2); c.1913C>G, p.Ala638Gly (NM_001362177.2); short protein forms A758G, A759G, A638G, A708G.
Identifiers: ClinVar variation 820935 (VCV000820935.10), dbSNP rs1554815021, ClinGen allele CA375359801.

ClinVar aggregate classification (germline): Uncertain significance. Review status: criteria provided, multiple submitters, no conflicts (2 of 4 stars). 2 submissions from 2 submitters: Uncertain significance (2). Last evaluated 2025-10-01.

Conditions:
Hereditary cancer-predisposing syndrome. Also called: Tumor predisposition; Hereditary neoplastic syndrome; Neoplastic Syndromes, Hereditary; Hereditary Cancer Syndrome. Identifiers: Orphanet 140162, MedGen C0027672, MeSH D009386, MONDO:0015356.

Submissions (2):

CeGaT Center for Human Genetics Tuebingen
Classification: Uncertain significance. Last evaluated: 2025-10-01. Review status: criteria provided, single submitter. Criteria: CeGaT Center For Human Genetics Tuebingen Variant Classification Criteria Version 2. Collection method: clinical testing. Allele origin: germline. Affected: yes. Observed: 1 variant allele.
Comment: TSC1: PM2, PP2, BP4

Ambry Genetics
Classification: Uncertain significance for Hereditary cancer-predisposing syndrome. Last evaluated: 2018-10-11. Review status: criteria provided, single submitter. Criteria: Ambry Variant Classification Scheme 2023. Collection method: clinical testing. Allele origin: germline.
Comment: The p.A759G variant (also known as c.2276C>G), located in coding exon 16 of the TSC1 gene, results from a C to G substitution at nucleotide position 2276. The alanine at codon 759 is replaced by glycine, an amino acid with similar properties. This amino acid position is well conserved in available vertebrate species. In addition, this alteration is predicted to be tolerated by in silico analysis. Since supporting evidence is limited at this time, the clinical significance of this alteration remains unclear.